The following is an entry in ClinVar:

NM_000217.3(KCNA1):c.1371C>T (p.Ile457=)

Gene: KCNA1 (potassium voltage-gated channel subfamily A member 1; plus strand). Cytogenetic location: 12p13.32.
Variant type: single nucleotide variant.
Coding change: c.1371C>T on transcript NM_000217.3 (MANE Select); coding-DNA position 1371, C replaced by T.
Protein change: p.Ile457=; no amino-acid change (isoleucine 457 retained).
Molecular consequence: synonymous variant.
Genome position (GRCh38, 1-based): chr12:4,912,749, C>T. VCF-style: chr12-4912749-C-T. GRCh37 (hg19) VCF-style: chr12-5021915-C-T.
Identifiers: ClinVar variation 2684252 (VCV002684252.1), dbSNP rs751268531, ClinGen allele CA478094743.

ClinVar aggregate classification (germline): Uncertain significance (1 of 4 stars; one submission).

Submission:

Athena Diagnostics
Classification: Uncertain significance. Last evaluated: 2023-08-07. Review status: criteria provided, single submitter. Criteria: Athena Diagnostics Criteria. Collection method: clinical testing. Allele origin: unknown.
Comment: Available data are insufficient to determine the clinical significance of the variant at this time. This variant has not been reported in large, multi-ethnic general populations. Computational tools yielded predictions that this variant is unlikely to have an effect on normal RNA splicing.